The following is an entry in ClinVar:

NM_080680.3(COL11A2):c.3021G>T (p.Pro1007=)

Gene: COL11A2 (collagen type XI alpha 2 chain; minus strand). Cytogenetic location: 6p21.32.
Variant type: single nucleotide variant.
Coding change: c.3021G>T on transcript NM_080680.3 (MANE Select); coding-DNA position 3021, G replaced by T.
Protein change: p.Pro1007=; no amino-acid change (proline 1007 retained).
Molecular consequence: synonymous variant.
Genome position (GRCh38, 1-based): chr6:33,172,071, C>A on the plus strand (G>T on the coding strand, the complement: COL11A2 is on the minus strand). VCF-style: chr6-33172071-C-A. GRCh37 (hg19) VCF-style: chr6-33139848-C-A.
Other names: c.2700G>T, p.Pro900= (NM_080679.3); c.2763G>T, p.Pro921= (NM_080681.3).
Identifiers: ClinVar variation 1986335 (VCV001986335.1), dbSNP rs370652074, ClinGen allele CA3750668.

ClinVar aggregate classification (germline): Uncertain significance (1 of 4 stars; one submission).

gnomAD v4.1: 9 of 1,612,862 alleles (0.00056%); highest among the groups gnomAD compares: Admixed American, 0.0017%; no homozygotes.

Submission:

Labcorp Genetics (formerly Invitae), Labcorp
Classification: Uncertain significance. Last evaluated: 2022-06-10. Review status: criteria provided, single submitter. Criteria: Invitae Variant Classification Sherloc (09022015). Collection method: clinical testing. Allele origin: germline.
Comment: This sequence change affects codon 1007 of the COL11A2 mRNA. It is a 'silent' change, meaning that it does not change the encoded amino acid sequence of the COL11A2 protein. This variant is present in population databases (rs370652074, gnomAD 0.003%). This variant has not been reported in the literature in individuals affected with COL11A2-related conditions. Algorithms developed to predict the effect of sequence changes on RNA splicing suggest that this variant may disrupt the consensus splice site. In summary, the available evidence is currently insufficient to determine the role of this variant in disease. Therefore, it has been classified as a Variant of Uncertain Significance.